The following is an entry in ClinVar:

ClinVar aggregate classification (germline): Pathogenic (1 of 4 stars; one submission).

Conditions:
Hereditary spastic paraplegia 2 (SPG2). Also called: Spastic Paraplegia 2 (SPG2); SPASTIC PARAPLEGIA 2, X-LINKED. Identifiers: Orphanet 99015, MedGen C0751604, MONDO:0010733, OMIM 312920.

Submission:

Labcorp Genetics (formerly Invitae), Labcorp
Classification: Pathogenic for Hereditary spastic paraplegia 2. Last evaluated: 2016-05-22. Review status: criteria provided, single submitter. Criteria: Invitae Variant Classification Sherloc (09022015). Collection method: clinical testing. Allele origin: germline.
Comment: A gross duplication of the genomic region encompassing the full coding sequence of the PLP1 gene has been identified. The boundaries of this event are unknown as the duplication extends beyond the assayed region for this gene and therefore may encompass additional genes. As the precise location of this duplication is unknown, it may be in tandem or it may be located elsewhere in the genome. Whole gene duplication of PLP1 has been reported in many individuals affected with Pelizaeus-Merzbacher disease (PMID: 9634530, 10417279, 16380909, 18160035, 19328639). For these reasons, this variant has been classified as Pathogenic.

NC_000023.10:g.(?_103031754)_(103047548_?)dup

Gene: PLP1 (proteolipid protein 1; plus strand). Cytogenetic location: Xq22.2.
Variant type: Duplication.
Identifiers: ClinVar variation 417363 (VCV000417363.1).